The following is an entry in ClinVar:

ClinVar aggregate classification (germline): Uncertain significance. Review status: criteria provided, multiple submitters, no conflicts (2 of 4 stars). 4 submissions from 4 submitters: Uncertain significance (4). Last evaluated 2026-06-01.

Conditions:
Inborn genetic diseases. Identifiers: MedGen C0950123, MeSH D030342.
Hereditary spastic paraplegia 3A (SPG3A). Also called: Spastic paraplegia 3A, autosomal dominant; SPASTIC PARAPLEGIA 3, AUTOSOMAL DOMINANT; FAMILIAL SPASTIC PARAPLEGIA, AUTOSOMAL DOMINANT, 1; SPG3; STRUMPELL DISEASE; Spastic Paraplegia 3A. Identifiers: Orphanet 100984, MedGen C2931355, MONDO:0008437, OMIM 182600.

Allele frequency attached by ClinVar (database versions not stated): gnomAD exomes 0.00002 and 0.00003; ExAC 0.00003; gnomAD 0.00003; TOPMed 0.00003; 1000 Genomes Project 30x 0.00016; 1000 Genomes Project 0.00020.
gnomAD v4.1: 48 of 1,614,092 alleles (0.003%); highest among the groups gnomAD compares: African/African-American, 0.0093%; no homozygotes.

Submissions (4):

CeGaT Center for Human Genetics Tuebingen
Classification: Uncertain significance. Last evaluated: 2026-06-01. Review status: criteria provided, single submitter. Criteria: CeGaT Center For Human Genetics Tuebingen Variant Classification Criteria Version 2. Collection method: clinical testing. Allele origin: germline. Affected: yes. Observed: 1 variant allele.

Labcorp Genetics (formerly Invitae), Labcorp
Classification: Uncertain significance for Hereditary spastic paraplegia 3A. Last evaluated: 2025-04-28. Review status: criteria provided, single submitter. Criteria: Invitae Variant Classification Sherloc (09022015). Collection method: clinical testing. Allele origin: germline.
Comment: This sequence change replaces arginine, which is basic and polar, with glutamine, which is neutral and polar, at codon 55 of the ATL1 protein (p.Arg55Gln). This variant is present in population databases (rs564832738, gnomAD 0.01%). This variant has not been reported in the literature in individuals affected with ATL1-related conditions. ClinVar contains an entry for this variant (Variation ID: 471248). Invitae Evidence Modeling of protein sequence and biophysical properties (such as structural, functional, and spatial information, amino acid conservation, physicochemical variation, residue mobility, and thermodynamic stability) has been performed for this missense variant. However, the output from this modeling did not meet the statistical confidence thresholds required to predict the impact of this variant on ATL1 protein function. In summary, the available evidence is currently insufficient to determine the role of this variant in disease. Therefore, it has been classified as a Variant of Uncertain Significance.

Ambry Genetics
Classification: Uncertain significance for Inborn genetic diseases. Last evaluated: 2023-11-20. Review status: criteria provided, single submitter. Criteria: Ambry Variant Classification Scheme 2023. Collection method: clinical testing. Allele origin: germline.

GeneDx
Classification: Uncertain significance. Last evaluated: 2018-09-21. Review status: criteria provided, single submitter. Criteria: GeneDx Variant Classification Process June 2021. Collection method: clinical testing. Allele origin: germline. Affected: yes.
Comment: The majority of missense variants in this gene are considered pathogenic (Stenson et al., 2014); In silico analysis, which includes protein predictors and evolutionary conservation, supports that this variant does not alter protein structure/function

NM_015915.5(ATL1):c.164G>A (p.Arg55Gln)

Gene: ATL1 (atlastin GTPase 1; plus strand). Cytogenetic location: 14q22.1.
Variant type: single nucleotide variant.
Coding change: c.164G>A on transcript NM_015915.5 (MANE Select); coding-DNA position 164, G replaced by A.
Protein change: p.Arg55Gln; replaces arginine 55 with glutamine.
Molecular consequence: missense variant.
Genome position (GRCh38, 1-based): chr14:50,587,960, G>A. VCF-style: chr14-50587960-G-A. GRCh37 (hg19) VCF-style: chr14-51054678-G-A.
Other names: c.164G>A, p.Arg55Gln (NM_001127713.1, NM_181598.4); short protein forms R55Q.
Identifiers: ClinVar variation 471248 (VCV000471248.13), dbSNP rs564832738, ClinGen allele CA7180177.